The following is an entry in ClinVar:

NM_000103.4(CYP19A1):c.628G>A (p.Glu210Lys)

Genes: CYP19A1 (cytochrome P450 family 19 subfamily A member 1; minus strand), MIR4713HG (MIR4713 host gene; plus strand), PIRC66 (piwi-interacting RNA cluster 66; plus strand). Cytogenetic location: 15q21.2.
Variant type: single nucleotide variant.
Coding change: c.628G>A on transcript NM_000103.4 (MANE Select); coding-DNA position 628, G replaced by A.
Protein change: p.Glu210Lys; replaces glutamic acid 210 with lysine.
Molecular consequence: missense variant.
Genome position (GRCh38, 1-based): chr15:51,222,349, C>T on the plus strand (G>A on the coding strand, the complement: CYP19A1 is on the minus strand). VCF-style: chr15-51222349-C-T. GRCh37 (hg19) VCF-style: chr15-51514546-C-T.
Other names: c.628G>A, p.Glu210Lys (NM_001347248.1, NM_001347249.2, NM_001347250.2 and 7 more transcripts); c.628G>A (NM_031226.2); short protein forms E210K.
Identifiers: ClinVar variation 17826 (VCV000017826.10), dbSNP rs121434538, ClinGen allele CA127462.

ClinVar aggregate classification (germline): Pathogenic/Likely pathogenic. Review status: criteria provided, multiple submitters, no conflicts (2 of 4 stars). 5 submissions from 5 submitters: Pathogenic (3); Likely pathogenic (1). 1 of the submissions does not count toward it. Last evaluated 2025-10-17.

Conditions:
Aromatase excess syndrome (AEXS). Also called: GYNECOMASTIA, HEREDITARY; Familial gynecomastia, due to increased aromatase activity; AROMATASE ACTIVITY, INCREASED. Identifiers: Orphanet 178345, MedGen C1970109, MONDO:0007690, OMIM 139300.
Aromatase deficiency. Also called: Increased aromatase activity; PSEUDOHERMAPHRODITISM, FEMALE, DUE TO PLACENTAL AROMATASE DEFICIENCY. Identifiers: Orphanet 91, MedGen C1960539, MONDO:0013301, OMIM 613546.

Allele frequency attached by ClinVar (database versions not stated): gnomAD exomes 0.00001; TOPMed below 0.00001; ExAC 0.00001.
gnomAD v4.1: 9 of 1,614,042 alleles (0.00056%); highest among the groups gnomAD compares: East Asian, 0.0022%; no homozygotes.

Submissions (5):

Natera, Inc.
Classification: Pathogenic for Aromatase deficiency. Last evaluated: 2025-10-17. Review status: criteria provided, single submitter. Criteria: Natera Variant Classification Schema (03/2026). Collection method: clinical testing. Allele origin: germline.
Comment: The c.628G>A variant in CYP19A1 is a missense variant predicted to cause substitution of glutamic acid to lysine at amino acid 210. This variant is rare in the general population with a frequency below the threshold expected for the associated phenotype(s). This variant has been observed in one or more individuals affected with the associated recessive disease, as either homozygous or compound heterozygous with a second variant (PMID: 14602738, 14715828, 25415177). Functional studies show that this variant may disrupt protein function (PMID: 14715828). Computational prediction algorithms indicate this variant is likely to affect gene or protein function. Given the available evidence, this variant is classified as Pathogenic.

Dasa
Classification: Likely pathogenic. Last evaluated: 2024-11-18. Review status: criteria provided, single submitter. Criteria: DASA Assertion Criteria. Collection method: clinical testing. Allele origin: germline.
Comment: NM_000103.4(CYP19A1):c.628G>A (p.Glu210Lys) is a missense variant that results in the substitution of glutamic acid with lysine. This variant has been observed in affected individuals with CYP19A1-related disorders. Also, this variant is rare in population databases. Computational evidence supports a deleterious effect. Based on the currently available evidence, this variant is classified as likely pathogenic.

Fulgent Genetics
Classification: Pathogenic for Aromatase excess syndrome; Aromatase deficiency. Last evaluated: 2024-03-22. Review status: criteria provided, single submitter. Criteria: ACMG Guidelines, 2015. Collection method: clinical testing. Allele origin: germline.

Labcorp Genetics (formerly Invitae), Labcorp
Classification: Pathogenic. Last evaluated: 2023-05-14. Review status: criteria provided, single submitter. Criteria: Invitae Variant Classification Sherloc (09022015). Collection method: clinical testing. Allele origin: germline.
Comment: This variant is also known as c.655G>A. For these reasons, this variant has been classified as Pathogenic. Variants that disrupt the consensus splice site are a relatively common cause of aberrant splicing (PMID: 17576681, 9536098). Algorithms developed to predict the effect of sequence changes on RNA splicing suggest that this variant may disrupt the consensus splice site. An algorithm developed to predict the effect of missense changes on protein structure and function (PolyPhen-2) suggests that this variant is likely to be disruptive. ClinVar contains an entry for this variant (Variation ID: 17826). This missense change has been observed in individuals with CYP19A1-related conditions (PMID: 14602738, 25301327, 25415177, 27693882). This variant is present in population databases (rs121434538, gnomAD 0.006%). This sequence change replaces glutamic acid, which is acidic and polar, with lysine, which is basic and polar, at codon 210 of the CYP19A1 protein (p.Glu210Lys). This variant also falls at the last nucleotide of exon 6, which is part of the consensus splice site for this exon.

OMIM
Classification: Pathogenic for AROMATASE DEFICIENCY. Last evaluated: 2004-01-01. Review status: no assertion criteria provided. Collection method: literature only. Allele origin: germline. Not counted in ClinVar's aggregate classification.

Literature cited by the submitters: PubMed 14602738 (cited by Natera, Inc. and Labcorp Genetics (formerly Invitae), Labcorp); PubMed 14715828 (cited by Natera, Inc. and OMIM); PubMed 25415177 (cited by Natera, Inc. and Labcorp Genetics (formerly Invitae), Labcorp); PubMed 17576681 (cited by Labcorp Genetics (formerly Invitae), Labcorp); PubMed 9536098 (cited by Labcorp Genetics (formerly Invitae), Labcorp); PubMed 25301327 (cited by Labcorp Genetics (formerly Invitae), Labcorp); PubMed 27693882 (cited by Labcorp Genetics (formerly Invitae), Labcorp).